The following is an entry in ClinVar:

ClinVar aggregate classification (germline): Pathogenic (0 of 4 stars; one submission).

Conditions:
Pituitary dependent hypercortisolism. Also called: CUSHING DISEASE, PITUITARY; PITUITARY ADENOMA 4, ACTH-SECRETING; Cushing disease due to pituitary adenoma; Pituitary ACTH Hypersecretion; Pituitary adenoma, acth-secreting, somatic. Identifiers: Orphanet 96253, MedGen C0221406, MONDO:0009050, OMIM 219090.

Submission:

Institute of Human Genetics Munich, TUM University Hospital
Classification: Pathogenic for Pituitary dependent hypercortisolism. Last evaluated: 2014-11-18. Review status: no assertion criteria provided. Collection method: research. Allele origin: somatic. Affected: yes. Observed: 1 variant allele.
Comment: gain of function

NM_005154.3(USP8):c.[2138T>G;2150A>G]

Variant type: Haplotype.
Identifiers: ClinVar variation 161994 (VCV000161994.2).